The following is an entry in ClinVar:

ClinVar aggregate classification (germline): Uncertain significance. Review status: criteria provided, multiple submitters, no conflicts (2 of 4 stars). 4 submissions from 4 submitters: Uncertain significance (4). Last evaluated 2022-10-27.

Conditions:
Inborn genetic diseases. Identifiers: MedGen C0950123, MeSH D030342.
Majeed syndrome (MJDS). Also called: LPIN2-Related Majeed Syndrome; CHRONIC RECURRENT MULTIFOCAL OSTEOMYELITIS 1, WITH CONGENITAL DYSERYTHROPOIETIC ANEMIA, WITH OR WITHOUT NEUTROPHILIC DERMATOSIS. Identifiers: Orphanet 77297, MedGen C1864997, MONDO:0012316, OMIM 609628.

Allele frequency attached by ClinVar (database versions not stated): gnomAD exomes below 0.00001 and 0.00002; ExAC 0.00002; TOPMed 0.00002; gnomAD 0.00003 and 0.00004.
gnomAD v4.1: 10 of 1,614,056 alleles (0.00062%); highest among the groups gnomAD compares: African/African-American, 0.0027%; no homozygotes.

Submissions (4):

Ambry Genetics
Classification: Uncertain significance for Inborn genetic diseases. Last evaluated: 2022-10-27. Review status: criteria provided, single submitter. Criteria: Ambry General Variant Classification Scheme_2022. Collection method: clinical testing. Allele origin: germline. Observed: 1 variant allele.

Labcorp Genetics (formerly Invitae), Labcorp
Classification: Uncertain significance for Majeed syndrome. Last evaluated: 2022-09-27. Review status: criteria provided, single submitter. Criteria: Invitae Variant Classification Sherloc (09022015). Collection method: clinical testing. Allele origin: germline.
Comment: In summary, the available evidence is currently insufficient to determine the role of this variant in disease. Therefore, it has been classified as a Variant of Uncertain Significance. Advanced modeling of protein sequence and biophysical properties (such as structural, functional, and spatial information, amino acid conservation, physicochemical variation, residue mobility, and thermodynamic stability) performed at Invitae indicates that this missense variant is not expected to disrupt LPIN2 protein function. ClinVar contains an entry for this variant (Variation ID: 234333). This variant has not been reported in the literature in individuals affected with LPIN2-related conditions. This variant is present in population databases (rs781705610, gnomAD 0.003%). This sequence change replaces leucine, which is neutral and non-polar, with valine, which is neutral and non-polar, at codon 459 of the LPIN2 protein (p.Leu459Val).

Fulgent Genetics
Classification: Uncertain significance for Majeed syndrome. Last evaluated: 2022-05-25. Review status: criteria provided, single submitter. Criteria: ACMG Guidelines, 2015. Collection method: clinical testing. Allele origin: unknown.

GeneDx
Classification: Uncertain significance. Last evaluated: 2015-06-11. Review status: criteria provided, single submitter. Criteria: GeneDx Variant Classification (06012015). Collection method: clinical testing. Allele origin: germline. Affected: yes.
Comment: The L459V variant has not been published as a mutation, nor has it been reported as a benign polymorphism to our knowledge. The L459V variant was not observed in approximately 6500 individuals of European and African American ancestry in the NHLBI Exome Sequencing Project, indicating it is not a common benign variant in these populations. The L459V variant is a conservative amino acid substitution, which is not likely to impact secondary protein structure as these residues share similar properties. This substitution occurs at a position that is conserved in mammals, but is not in a known functional domain. In silico analysis is inconsistent in its predictions as to whether or not the variant is damaging to the protein structure/function. Therefore, based on the currently available information, it is unclear whether this variant is a pathogenic mutation or a rare benign variant.

NM_001375808.2(LPIN2):c.1375C>G (p.Leu459Val)

Gene: LPIN2 (lipin 2; minus strand). Cytogenetic location: 18p11.31.
Variant type: single nucleotide variant.
Coding change: c.1375C>G on transcript NM_001375808.2 (MANE Select); coding-DNA position 1375, C replaced by G.
Protein change: p.Leu459Val; replaces leucine 459 with valine.
Molecular consequence: missense variant.
Genome position (GRCh38, 1-based): chr18:2,931,337, G>C on the plus strand (C>G on the coding strand, the complement: LPIN2 is on the minus strand). VCF-style: chr18-2931337-G-C. GRCh37 (hg19) VCF-style: chr18-2931335-G-C.
Other names: c.1375C>G, p.Leu459Val (NM_001375809.1, NM_014646.2); short protein forms L459V.
Identifiers: ClinVar variation 234333 (VCV000234333.10), dbSNP rs781705610, ClinGen allele CA8873120.